The following is an entry in ClinVar:

ClinVar aggregate classification (germline): Likely pathogenic. Review status: criteria provided, single submitter (1 of 4 stars). 2 submissions from 2 submitters: Likely pathogenic (1). 1 of the submissions does not count toward it. Last evaluated 2024-11-06.

Conditions:
Familial long QT syndrome (RWS). Also called: Congenital long QT syndrome; Romano-Ward syndrome; VENTRICULAR FIBRILLATION WITH PROLONGED QT INTERVAL. Identifiers: Orphanet 768, MedGen C1141890, MONDO:0019171.

Submissions (2):

GeneDx
Classification: Likely pathogenic. Last evaluated: 2024-11-06. Review status: criteria provided, single submitter. Criteria: GeneDx Variant Classification Process June 2021. Collection method: clinical testing. Allele origin: germline. Affected: yes.
Comment: Identified in an individual with long QT syndrome; however, detailed clinical information and segregation data were not provided (PMID: 18441445); Not observed at significant frequency in large population cohorts (gnomAD); In silico analysis supports a deleterious effect on splicing; In silico analysis indicates that this missense variant does not alter protein structure/function; This variant is associated with the following publications: (PMID: 32431610, 18441445)

Cardiovascular Biomedical Research Unit, Royal Brompton & Harefield NHS Foundation Trust
No classification provided. Condition: Familial long QT syndrome. Review status: no classification provided. Collection method: literature only. Allele origin: germline. Not counted in ClinVar's aggregate classification.
Comment: This variant has been reported as associated with Long QT syndrome in the following publications (PMID:18441445). This is a literature report, and does not necessarily reflect the clinical interpretation of the Imperial College / Royal Brompton Cardiovascular Genetics laboratory.

Literature cited by the submitters: PubMed 18441445 (cited by Cardiovascular Biomedical Research Unit, Royal Brompton & Harefield NHS Foundation Trust); PubMed 22581653 (cited by Cardiovascular Biomedical Research Unit, Royal Brompton & Harefield NHS Foundation Trust).

NM_000238.4(KCNH2):c.1777A>G (p.Ile593Val)

Gene: KCNH2 (potassium voltage-gated channel subfamily H member 2; minus strand). Cytogenetic location: 7q36.1.
Variant type: single nucleotide variant.
Coding change: c.1777A>G on transcript NM_000238.4 (MANE Select); coding-DNA position 1777, A replaced by G.
Protein change: p.Ile593Val; replaces isoleucine 593 with valine.
Molecular consequence: missense variant.
Genome position (GRCh38, 1-based): chr7:150,951,616, T>C on the plus strand (A>G on the coding strand, the complement: KCNH2 is on the minus strand). VCF-style: chr7-150951616-T-C. GRCh37 (hg19) VCF-style: chr7-150648704-T-C.
Other names: c.1777A>G (LRG_288t1, NM_000238.2); c.757A>G, p.Ile253Val (NM_001204798.2, NM_172057.3); c.1489A>G, p.Ile497Val (NM_001406753.1, NM_001406756.1); c.1600A>G, p.Ile534Val (NM_001406755.1); c.1477A>G, p.Ile493Val (NM_001406757.1); c.1777A>G, p.Ile593Val (NM_172056.3); short protein forms I253V, I593V, I493V, I497V, I534V.
Identifiers: ClinVar variation 67268 (VCV000067268.4), dbSNP rs199472930, ClinGen allele CA005440.